The following is an entry in ClinVar:

NM_001165963.4(SCN1A):c.2946+1G>C

Gene: SCN1A (sodium voltage-gated channel alpha subunit 1; minus strand). Cytogenetic location: 2q24.3.
Variant type: single nucleotide variant.
Coding change: c.2946+1G>C on transcript NM_001165963.4 (MANE Select); the canonical splice donor site of the intron after coding-DNA position 2946, G replaced by C.
Molecular consequence: splice donor variant.
Genome position (GRCh38, 1-based): chr2:166,037,775, C>G on the plus strand (G>C on the coding strand, the complement: SCN1A is on the minus strand). VCF-style: chr2-166037775-C-G. GRCh37 (hg19) VCF-style: chr2-166894285-C-G.
Other names: c.2913+1G>C (NM_001353949.2, NM_001353950.2, NM_001353951.2 and 2 more transcripts); c.2862+1G>C (NM_001353958.2, NM_001353957.2, NM_001165964.3); c.2946+1G>C (NM_001202435.3, NM_001353948.2); c.2910+1G>C (NM_001353955.2, NM_001353954.2); c.2859+1G>C (NM_001353960.2); c.504+1G>C (NM_001353961.2).
Identifiers: ClinVar variation 2698246 (VCV002698246.3), dbSNP rs794726772, ClinGen allele CA349060720.

ClinVar aggregate classification (germline): Pathogenic (1 of 4 stars; one submission).

Conditions:
Early-infantile DEE. Also called: Ohtahara syndrome; Early infantile epileptic encephalopathy with suppression bursts; Early infantile epileptic encephalopathy. Identifiers: Orphanet 1934, MedGen C0393706, MONDO:0800491.

Submission:

Labcorp Genetics (formerly Invitae), Labcorp
Classification: Pathogenic for Early-infantile DEE. Last evaluated: 2023-11-24. Review status: criteria provided, single submitter. Criteria: Invitae Variant Classification Sherloc (09022015). Collection method: clinical testing. Allele origin: germline.
Comment: This sequence change affects a donor splice site in intron 15 of the SCN1A gene. It is expected to disrupt RNA splicing. Variants that disrupt the donor or acceptor splice site typically lead to a loss of protein function (PMID: 16199547), and loss-of-function variants in SCN1A are known to be pathogenic (PMID: 17347258, 18930999). This variant is not present in population databases (gnomAD no frequency). Disruption of this splice site has been observed in individual(s) with developmental and epileptic encephalopathy and/or SCN1A-related conditions (PMID: 17347258, 29100083). In at least one individual the variant was observed to be de novo. Algorithms developed to predict the effect of sequence changes on RNA splicing suggest that this variant may disrupt the consensus splice site. For these reasons, this variant has been classified as Pathogenic.

Literature cited by the submitters: PubMed 16199547; PubMed 17347258; PubMed 18930999; PubMed 29100083.